The following is an entry in ClinVar:

ClinVar aggregate classification (germline): Likely benign (1 of 4 stars; one submission).

Submission:

CeGaT Center for Human Genetics Tuebingen
Classification: Likely benign. Last evaluated: 2022-11-01. Review status: criteria provided, single submitter. Criteria: CeGaT Center For Human Genetics Tuebingen Variant Classification Criteria Version 2. Collection method: clinical testing. Allele origin: germline. Affected: yes. Observed: 2 variant alleles.
Comment: NKAP: BS2

NM_024528.4(NKAP):c.547AAG[2] (p.Lys185del)

Gene: NKAP (NFKB activating protein; minus strand). Cytogenetic location: Xq24.
Variant type: Microsatellite.
Coding change: c.547AAG[2] on transcript NM_024528.4 (MANE Select); two copies in a row of the 3-base unit AAG starting at c.547; the reference has three copies in a row; one copy, 3 bases deleted.
Protein change: p.Lys185del; deletes lysine 185.
Molecular consequence: inframe deletion.
Genome position (GRCh38, 1-based): chrX:119,936,415-119,936,417, CTT deleted on the plus strand (AAG on the coding strand, the reverse complement: NKAP is on the minus strand); deleting any 3 consecutive bases within chrX:119,936,415-119,936,423 gives the same sequence; the position shown is the placement nearest the transcript's 3' end. VCF-style (leftmost placement, unchanged base first): chrX-119936414-ACTT-A. GRCh37 (hg19) VCF-style: chrX-119070377-ACTT-A.
Other names: short protein forms K185del.
Identifiers: ClinVar variation 2661310 (VCV002661310.24), dbSNP rs750968620, ClinGen allele CA10503842.